The following is an entry in ClinVar:

ClinVar aggregate classification (germline): Uncertain significance (1 of 4 stars; one submission).

Conditions:
Megaconial type congenital muscular dystrophy (MDCMC). Also called: CHKB-Related Muscular Dystrophy; MUSCULAR DYSTROPHY, CONGENITAL, WITH MITOCHONDRIAL STRUCTURAL ABNORMALITIES; CHKB-Related Muscle Diseases. Identifiers: Orphanet 280671, MedGen C1865233, MONDO:0011246, OMIM 602541.

Submission:

Labcorp Genetics (formerly Invitae), Labcorp
Classification: Uncertain significance for Megaconial type congenital muscular dystrophy. Last evaluated: 2022-06-27. Review status: criteria provided, single submitter. Criteria: Invitae Variant Classification Sherloc (09022015). Collection method: clinical testing. Allele origin: germline.
Comment: This sequence change replaces aspartic acid, which is acidic and polar, with asparagine, which is neutral and polar, at codon 21 of the CHKB protein (p.Asp21Asn). This variant is not present in population databases (gnomAD no frequency). This variant has not been reported in the literature in individuals affected with CHKB-related conditions. ClinVar contains an entry for this variant (Variation ID: 1010387). Algorithms developed to predict the effect of missense changes on protein structure and function (SIFT, PolyPhen-2, Align-GVGD) all suggest that this variant is likely to be tolerated. In summary, the available evidence is currently insufficient to determine the role of this variant in disease. Therefore, it has been classified as a Variant of Uncertain Significance.

NM_005198.5(CHKB):c.61G>A (p.Asp21Asn)

Genes: CHKB-CPT1B (CHKB-CPT1B readthrough (NMD candidate); minus strand), CHKB (choline kinase beta; minus strand). Cytogenetic location: 22q13.33.
Variant type: single nucleotide variant.
Coding change: c.61G>A on transcript NM_005198.5 (MANE Select); coding-DNA position 61, G replaced by A.
Protein change: p.Asp21Asn; replaces aspartic acid 21 with asparagine.
Molecular consequence: missense variant. On other transcripts: non-coding transcript variant (1).
Genome position (GRCh38, 1-based): chr22:50,582,721, C>T on the plus strand (G>A on the coding strand, the complement: CHKB is on the minus strand). VCF-style: chr22-50582721-C-T. GRCh37 (hg19) VCF-style: chr22-51021150-C-T.
Other names: short protein forms D21N.
Identifiers: ClinVar variation 1010387 (VCV001010387.10), dbSNP rs2070726433, ClinGen allele CA412203940.